The following is an entry in ClinVar:

ClinVar aggregate classification (germline): Conflicting classifications of pathogenicity. Review status: criteria provided, conflicting classifications (1 of 4 stars). 4 submissions from 4 submitters: Uncertain significance (1); Likely benign (2). 1 of the submissions does not count toward it. Last evaluated 2026-01-22.

Conditions:
PCNT-related disorder. Also called: PCNT-related condition.

Submissions (4):

Labcorp Genetics (formerly Invitae), Labcorp
Classification: Likely benign. Last evaluated: 2026-01-22. Review status: criteria provided, single submitter. Criteria: Invitae Variant Classification Sherloc (09022015). Collection method: clinical testing. Allele origin: germline.

Blueprint Genetics
Classification: Likely benign. Last evaluated: 2024-10-17. Review status: criteria provided, single submitter. Criteria: ACMG Guidelines, 2015. Collection method: clinical testing. Allele origin: germline.

Genetic Services Laboratory, University of Chicago
Classification: Uncertain significance. Last evaluated: 2019-08-05. Review status: criteria provided, single submitter. Criteria: ACMG Guidelines, 2015. Collection method: clinical testing. Allele origin: germline. Affected: no.

PreventionGenetics, part of Exact Sciences
Classification: Likely benign for PCNT-related condition. Last evaluated: 2021-09-09. Review status: no assertion criteria provided. Collection method: clinical testing. Allele origin: germline. Not counted in ClinVar's aggregate classification.
Comment: This variant is classified as likely benign based on ACMG/AMP sequence variant interpretation guidelines (Richards et al. 2015 PMID: 25741868, with internal and published modifications).

NM_006031.6(PCNT):c.268-5_268-3del

Gene: PCNT (pericentrin; plus strand). Cytogenetic location: 21q22.3.
Variant type: Microsatellite.
Coding change: c.268-5_268-3del on transcript NM_006031.6 (MANE Select); 5 bases into the intron before coding-DNA position 268 through 3 bases into the intron before coding-DNA position 268, 3 bases deleted (CTT; older notation c.268-5_268-3delCTT).
Molecular consequence: intron variant.
Genome position (GRCh38, 1-based): chr21:46,334,392-46,334,394, CTT deleted; deleting any 3 consecutive bases within chr21:46,334,389-46,334,394 gives the same sequence; the c. name uses the placement nearest the transcript's 3' end. VCF-style (leftmost placement, unchanged base first): chr21-46334388-CCTT-C. GRCh37 (hg19) VCF-style: chr21-47754302-CCTT-C.
Other names: c.268-5_268-3delCTT (NM_006031.5); c.-87-5_-87-3del (NM_001315529.2).
Identifiers: ClinVar variation 1337310 (VCV001337310.14), dbSNP rs751683541, ClinGen allele CA10078210.